The following is an entry in ClinVar:

ClinVar aggregate classification (germline): Likely benign (1 of 4 stars; one submission).

gnomAD v4.1: 33 of 1,613,600 alleles (0.002%); highest among the groups gnomAD compares: African/African-American, 0.0053%; no homozygotes.

Submission:

CeGaT Center for Human Genetics Tuebingen
Classification: Likely benign. Last evaluated: 2023-03-01. Review status: criteria provided, single submitter. Criteria: CeGaT Center For Human Genetics Tuebingen Variant Classification Criteria Version 2. Collection method: clinical testing. Allele origin: germline. Affected: yes. Observed: 1 variant allele.
Comment: GOLIM4: BP4, BP7

NM_014498.5(GOLIM4):c.1167G>A (p.Ala389=)

Gene: GOLIM4 (golgi integral membrane protein 4; minus strand). Cytogenetic location: 3q26.2.
Variant type: single nucleotide variant.
Coding change: c.1167G>A on transcript NM_014498.5 (MANE Select); coding-DNA position 1167, G replaced by A.
Protein change: p.Ala389=; no amino-acid change (alanine 389 retained).
Molecular consequence: synonymous variant.
Genome position (GRCh38, 1-based): chr3:168,032,529, C>T on the plus strand (G>A on the coding strand, the complement: GOLIM4 is on the minus strand). VCF-style: chr3-168032529-C-T. GRCh37 (hg19) VCF-style: chr3-167750317-C-T.
Other names: c.1083G>A, p.Ala361= (NM_001308155.2).
Identifiers: ClinVar variation 2654267 (VCV002654267.24), dbSNP rs137967362, ClinGen allele CA2695354.